The following is an entry in ClinVar:

NM_005732.4(RAD50):c.1875C>G (p.Tyr625Ter)

Gene: RAD50 (RAD50 double strand break repair protein; plus strand). Cytogenetic location: 5q31.1.
Variant type: single nucleotide variant.
Coding change: c.1875C>G on transcript NM_005732.4 (MANE Select); coding-DNA position 1875, C replaced by G.
Protein change: p.Tyr625Ter; replaces tyrosine 625 with a stop codon.
Molecular consequence: nonsense.
Genome position (GRCh38, 1-based): chr5:132,594,950, C>G. VCF-style: chr5-132594950-C-G. GRCh37 (hg19) VCF-style: chr5-131930642-C-G.
Other names: short protein forms Y625*.
Identifiers: ClinVar variation 220719 (VCV000220719.32), dbSNP rs149201802, ClinGen allele CA349373.

ClinVar aggregate classification (germline): Pathogenic/Likely pathogenic. Review status: criteria provided, multiple submitters, no conflicts (2 of 4 stars). 15 submissions from 14 submitters: Pathogenic (9); Likely pathogenic (3). 3 of the submissions do not count toward it. Last evaluated 2026-02-12.

Conditions:
RAD50-related disorder. Also called: RAD50-related condition.
Breast and/or ovarian cancer. Identifiers: MedGen CN221562.
Hereditary cancer-predisposing syndrome. Also called: Neoplastic Syndromes, Hereditary; Tumor predisposition; Hereditary Cancer Syndrome; Hereditary neoplastic syndrome. Identifiers: Orphanet 140162, MedGen C0027672, MeSH D009386, MONDO:0015356.
Hepatocellular carcinoma (HCC). Also called: Primary carcinoma of liver; HEPATOMA; LIVER CELL CARCINOMA. Identifiers: Orphanet 88673, MedGen C2239176, MONDO:0007256, OMIM 114550, HP:0001402.
Nijmegen breakage syndrome-like disorder (NBSLD). Also called: MICROCEPHALY AND SPONTANEOUS CHROMOSOME INSTABILITY WITHOUT IMMUNODEFICIENCY; NBS-LIKE DISORDER; RAD50 DEFICIENCY. Identifiers: Orphanet 240760, MedGen C2751318, MONDO:0013118, OMIM 613078.

Allele frequency attached by ClinVar (database versions not stated): TOPMed 0.00006.
gnomAD v4.1: 48 of 1,610,562 alleles (0.003%); highest among the groups gnomAD compares: Admixed American, 0.037%; no homozygotes.

Submissions (15):

Dasa
Classification: Likely pathogenic. Last evaluated: 2026-02-12. Review status: criteria provided, single submitter. Criteria: DASA Assertion Criteria. Collection method: clinical testing. Allele origin: germline.
Comment: NM_005732.4(RAD50):c.1875C>G (p.Tyr625Ter) is a nonsense variant in RAD50 predicted to introduce a premature termination codon and is predicted to result in an absent or altered protein product. Loss of function is an established disease mechanism for RAD50-associated disorders. Also, this variant is rare in population databases. Based on the currently available evidence, this variant is classified as likely pathogenic.

Labcorp Genetics (formerly Invitae), Labcorp
Classification: Pathogenic for Hereditary cancer-predisposing syndrome. Last evaluated: 2025-10-01. Review status: criteria provided, single submitter. Criteria: Invitae Variant Classification Sherloc (09022015). Collection method: clinical testing. Allele origin: germline.
Comment: This sequence change creates a premature translational stop signal (p.Tyr625*) in the RAD50 gene. RNA analysis indicates that this premature translational stop signal induces altered splicing and may result in an absent or altered protein product. This variant is present in population databases (rs149201802, gnomAD 0.06%). This premature translational stop signal has been observed in individual(s) with pancreatic and breast cancer (PMID: 18281469, 25452441). ClinVar contains an entry for this variant (Variation ID: 220719). Studies have shown that this premature translational stop signal results in skipping of exon 12, and produces a non-functional protein and/or introduces a premature termination codon (internal data). For these reasons, this variant has been classified as Pathogenic.

PreventionGenetics, part of Exact Sciences
Classification: Pathogenic for RAD50-related condition. Last evaluated: 2025-05-17. Review status: criteria provided, single submitter. Criteria: ACMG Guidelines, 2015. Collection method: clinical testing. Allele origin: germline.
Comment: The RAD50 c.1875C>G variant is predicted to result in premature protein termination (p.Tyr625*). This variant has been reported in individuals with breast cancer (Supplementary Table 2, Couch et al. 2015. PubMed ID: 25452441; Supplementary Table 1, Southey et al. 2021. PubMed ID: 34887416). This variant has also been reported in an individual with non-Hodgkin lymphoma and pancreatic adenocarcinoma (Yurgelun et al. 2018. PubMed ID: 29961768). This variant has also been reported in two individuals with neuroblastoma (Table S8, Bonfiglio et al. 2022. PubMed ID: 36493725). In addition, this variant has been reported in the heterozygous state in a pancreatic tumor sample (Wang et al. 2008. PubMed ID: 18281469). A functional study showed that this variant disrupted protein expression (Wang et al. 2008. PubMed ID: 18281469). This variant is reported in 0.056% of alleles in individuals of Latino descent in gnomAD and is interpreted as pathogenic/likely pathogenic in ClinVar. Nonsense variants in RAD50 are expected to be pathogenic. This variant is interpreted as pathogenic.

GeneDx
Classification: Likely pathogenic. Last evaluated: 2025-02-11. Review status: criteria provided, single submitter. Criteria: GeneDx Variant Classification Process June 2021. Collection method: clinical testing. Allele origin: germline. Affected: yes.
Comment: Nonsense variant predicted to result in protein truncation or nonsense mediated decay in a gene for which loss of function is a known mechanism of disease; Not observed at significant frequency in large population cohorts (gnomAD); Observed in the heterozygous state in individuals with breast, ovarian, pancreatic, and other cancers (PMID: 18281469, 24240112, 25452441, 29961768, 34887416, 36493725, 39194688); This variant is associated with the following publications: (PMID: 25452441, 29961768, 18281469, 26787654, 24240112, 31159747, 31589614, 37694493, 34887416, 36493725, 39194688, 39778127)

Ambry Genetics
Classification: Pathogenic for Hereditary cancer-predisposing syndrome. Last evaluated: 2024-11-22. Review status: criteria provided, single submitter. Criteria: Ambry Variant Classification Scheme 2023. Collection method: clinical testing. Allele origin: germline.
Comment: The p.Y625* pathogenic mutation (also known as c.1875C>G), located in coding exon 12 of the RAD50 gene, results from a C to G substitution at nucleotide position 1875. This changes the amino acid from a tyrosine to a stop codon within coding exon 12. This alteration has been detected in 2/1824 patients with triple-negative breast cancer who were unselected for a family history of breast or ovarian cancer (Couch FJ et al. J Clin Oncol, 2015 Feb;33:304-11). This variant was also reported in 2/1313 early-onset breast cancer cases and 0/1123 population controls (Damiola F et al. Breast Cancer Res, 2014 Jun;16:R58). In addition to the clinical data presented in the literature, this alteration is expected to result in loss of function by premature protein truncation or nonsense-mediated mRNA decay. As such, this alteration is interpreted as a disease-causing mutation.

Daryl Scott Lab, Baylor College of Medicine
Classification: Pathogenic for Nijmegen breakage syndrome-like disorder. Last evaluated: 2024-04-01. Review status: criteria provided, single submitter. Criteria: ACMG Guidelines, 2015. Collection method: clinical testing. Allele origin: unknown. Observed: 1 heterozygote.
Comment: PVS1

Baylor Genetics
Classification: Pathogenic for Nijmegen breakage syndrome-like disorder. Last evaluated: 2024-02-16. Review status: criteria provided, single submitter. Criteria: ACMG Guidelines, 2015. Collection method: clinical testing. Allele origin: unknown.

Quest Diagnostics Nichols Institute San Juan Capistrano
Classification: Pathogenic. Last evaluated: 2022-11-23. Review status: criteria provided, single submitter. Criteria: Quest Diagnostics criteria. Collection method: clinical testing. Allele origin: unknown.
Comment: This nonsense variant causes the premature termination of RAD50 protein synthesis. The frequency of this variant in the general population, 0.00056 (20/35426 chromosomes), is consistent with pathogenicity. In the published literature, the variant has been reported in individuals with breast cancer (PMID: 25452441 (2015)) and pancreatic cancer (PMID: 29961768 (2019)). It has also been reported in an individual with personal and/or family history of breast and/or ovarian cancer (PMID:31159747 (2019)). Based on the available information, this variant is classified as pathogenic.

Sema4
Classification: Pathogenic for Nijmegen breakage syndrome-like disorder. Last evaluated: 2022-01-13. Review status: criteria provided, single submitter. Criteria: Sema4 Curation Guidelines. Collection method: curation. Allele origin: germline.
Comment: The RAD50 c.1875C>G (p.Y625X) variant has been reported in heterozygosity in at least 5 individuals with breast or pancreatic cancer (PMID: 25452441, 31159747, 29961768, 18281469). This nonsense variant creates a premature stop codon at residue 625 of the RAD50 protein. At this location, this is predicted to cause nonsense-mediated decay and result in an absent protein (loss of function). Loss of function variants in RAD50 are known to be pathogenic (PMID: 19409520, 16385572). This variant was observed in 20/35426 chromosomes in the Latino population, according to the Genome Aggregation Database (PMID: 32461654). This variant has been reported in ClinVar (Variation ID: 220719). Based on the current evidence available, this variant is interpreted as pathogenic.

Revvity Omics, Revvity
Classification: Pathogenic for Nijmegen breakage syndrome-like disorder. Last evaluated: 2020-08-19. Review status: criteria provided, single submitter. Criteria: ACMG Guidelines, 2015. Collection method: clinical testing. Allele origin: germline.

GeneKor MSA
Classification: Pathogenic for Hereditary cancer-predisposing syndrome. Last evaluated: 2020-01-01. Review status: criteria provided, single submitter. Criteria: ACMG Guidelines, 2015. Collection method: clinical testing. Allele origin: germline. Affected: yes.
Comment: This variant is a single amino acid change from Tytosine to a premature translational stop signal at codon 625 of the RAD50 protein. This is expected to result in an absent or disrupted protein product. Truncating variants in RAD50 are known to be pathogenic (PMID: 19409520, 16385572).This variant has been described in the international literature in individuals affected with pancreatic and breast cancer (PMID: 18281469, 25452441) and in individuals undergoing panel testing for hereditary syndrome (PMID: 31159747). The mutation database ClinVar contains entries for this variant (Variation ID: 220719). .

Genesis Genomics
Classification: Likely pathogenic for Nijmegen breakage syndrome-like disorder. Review status: criteria provided, single submitter. Criteria: ACMG Guidelines, 2015. Collection method: clinical testing. Allele origin: germline. Affected: no. Observed: 1 variant allele.

CZECANCA consortium
Classification: Likely pathogenic for Hepatocellular carcinoma. Last evaluated: 2022-05-17. Review status: no assertion criteria provided. Collection method: case-control. Allele origin: germline. Affected: yes. Not counted in ClinVar's aggregate classification.

CZECANCA consortium
Classification: Pathogenic for Breast and/or ovarian cancer. Last evaluated: 2019-06-11. Review status: no assertion criteria provided. Collection method: clinical testing. Allele origin: germline. Affected: yes. Observed: 1 variant allele. Not counted in ClinVar's aggregate classification.

Counsyl
Classification: Pathogenic for Nijmegen breakage syndrome-like disorder. Last evaluated: 2016-09-13. Review status: no assertion criteria provided. Collection method: clinical testing. Allele origin: unknown. Not counted in ClinVar's aggregate classification.

Literature cited by the submitters: PubMed 18281469 (cited by 4 submitters); PubMed 25452441 (cited by 5 submitters); PubMed 24894818 (cited by Ambry Genetics); PubMed 29961768 (cited by 3 submitters); PubMed 31159747 (cited by Quest Diagnostics Nichols Institute San Juan Capistrano and Sema4); PubMed 31589614 (cited by Quest Diagnostics Nichols Institute San Juan Capistrano); PubMed 19409520 (cited by Sema4); PubMed 16385572 (cited by Sema4); PubMed 32295079 (cited by CZECANCA consortium).